The following is an entry in ClinVar:

NM_000702.4(ATP1A2):c.2635C>T (p.Arg879Trp)

Gene: ATP1A2 (ATPase Na+/K+ transporting subunit alpha 2; plus strand). Cytogenetic location: 1q23.2.
Variant type: single nucleotide variant.
Coding change: c.2635C>T on transcript NM_000702.4 (MANE Select); coding-DNA position 2635, C replaced by T.
Protein change: p.Arg879Trp; replaces arginine 879 with tryptophan.
Molecular consequence: missense variant.
Genome position (GRCh38, 1-based): chr1:160,136,641, C>T. VCF-style: chr1-160136641-C-T. GRCh37 (hg19) VCF-style: chr1-160106431-C-T.
Other names: short protein forms R879W.
Identifiers: ClinVar variation 2802270 (VCV002802270.3), dbSNP rs753568745, ClinGen allele CA1194802.

ClinVar aggregate classification (germline): Uncertain significance (1 of 4 stars; one submission).

Conditions:
Familial hemiplegic migraine. Identifiers: MedGen C0338484, MONDO:0000700.

Allele frequency attached by ClinVar (database versions not stated): ExAC 0.00001; gnomAD exomes 0.00001.
gnomAD v4.1: 13 of 1,614,244 alleles (0.00081%); highest among the groups gnomAD compares: Non-Finnish European, 0.001%; no homozygotes.

Submission:

Labcorp Genetics (formerly Invitae), Labcorp
Classification: Uncertain significance for Familial hemiplegic migraine. Last evaluated: 2025-05-14. Review status: criteria provided, single submitter. Criteria: Invitae Variant Classification Sherloc (09022015). Collection method: clinical testing. Allele origin: germline.
Comment: This sequence change replaces arginine, which is basic and polar, with tryptophan, which is neutral and slightly polar, at codon 879 of the ATP1A2 protein (p.Arg879Trp). This variant is present in population databases (rs753568745, gnomAD 0.004%). This missense change has been observed in individual(s) with sporadic hemiplegic migraine, as well as in unaffected family members (PMID: 18513263). ClinVar contains an entry for this variant (Variation ID: 2802270). Invitae Evidence Modeling of protein sequence and biophysical properties (such as structural, functional, and spatial information, amino acid conservation, physicochemical variation, residue mobility, and thermodynamic stability) has been performed for this missense variant. However, the output from this modeling did not meet the statistical confidence thresholds required to predict the impact of this variant on ATP1A2 protein function. Experimental studies have shown that this missense change does not substantially affect ATP1A2 function (PMID: 24704353). In summary, the available evidence is currently insufficient to determine the role of this variant in disease. Therefore, it has been classified as a Variant of Uncertain Significance.

Literature cited by the submitters: PubMed 18513263; PubMed 24704353.